The following is an entry in ClinVar:

NM_024652.6(LRRK1):c.5280C>G (p.Ser1760=)

Genes: LRRK1 (leucine rich repeat kinase 1; plus strand), LRRK1-AS1 (LRRK1 antisense RNA 1; minus strand). Cytogenetic location: 15q26.3.
Variant type: single nucleotide variant.
Coding change: c.5280C>G on transcript NM_024652.6 (MANE Select); coding-DNA position 5280, C replaced by G.
Protein change: p.Ser1760=; no amino-acid change (serine 1760 retained).
Molecular consequence: synonymous variant.
Genome position (GRCh38, 1-based): chr15:101,065,717, C>G. VCF-style: chr15-101065717-C-G. GRCh37 (hg19) VCF-style: chr15-101605922-C-G.
Identifiers: ClinVar variation 1581877 (VCV001581877.32), dbSNP rs199530216, ClinGen allele CA7762105.

ClinVar aggregate classification (germline): Likely benign. Review status: criteria provided, multiple submitters, no conflicts (2 of 4 stars). 2 submissions from 2 submitters: Likely benign (2). Last evaluated 2025-08-05.

Allele frequency attached by ClinVar (database versions not stated): gnomAD exomes 0.00002 and 0.00006; ExAC 0.00009; ESP Exome Variant Server 0.00023; TOPMed 0.00027; gnomAD 0.00029; 1000 Genomes Project 30x 0.00078; 1000 Genomes Project 0.00100.
gnomAD v4.1: 70 of 1,614,134 alleles (0.0043%); highest among the groups gnomAD compares: African/African-American, 0.081%; no homozygotes.

Submissions (2):

Labcorp Genetics (formerly Invitae), Labcorp
Classification: Likely benign. Last evaluated: 2025-08-05. Review status: criteria provided, single submitter. Criteria: Invitae Variant Classification Sherloc (09022015). Collection method: clinical testing. Allele origin: germline.

CeGaT Center for Human Genetics Tuebingen
Classification: Likely benign. Last evaluated: 2023-04-01. Review status: criteria provided, single submitter. Criteria: CeGaT Center For Human Genetics Tuebingen Variant Classification Criteria Version 2. Collection method: clinical testing. Allele origin: germline. Affected: yes. Observed: 1 variant allele.
Comment: LRRK1: BP4, BP7